The following is an entry in ClinVar:

ClinVar aggregate classification (germline): Likely benign. Review status: criteria provided, multiple submitters, no conflicts (2 of 4 stars). 3 submissions from 3 submitters: Likely benign (3). Last evaluated 2025-10-26.

Conditions:
Cardiovascular phenotype. Identifiers: MedGen CN230736.
Autosomal recessive limb-girdle muscular dystrophy type 2J (LGMDR10). Also called: Limb-girdle muscular dystrophy, type 2J; MUSCULAR DYSTROPHY, LIMB-GIRDLE, AUTOSOMAL RECESSIVE 10. Identifiers: Orphanet 140922, MedGen C1837342, MONDO:0012127, OMIM 608807.
Dilated cardiomyopathy 1G (CMD1G). Identifiers: Orphanet 154, MedGen C1858763, MONDO:0011400, OMIM 604145.

Allele frequency attached by ClinVar (database versions not stated): gnomAD 0.00001; TOPMed 0.00002; ESP Exome Variant Server 0.00008.
gnomAD v4.1: 2 of 1,614,084 alleles (0.00012%); highest among the groups gnomAD compares: Non-Finnish European, 0.00017%; no homozygotes.

Submissions (3):

Labcorp Genetics (formerly Invitae), Labcorp
Classification: Likely benign for Dilated cardiomyopathy 1G; Autosomal recessive limb-girdle muscular dystrophy type 2J. Last evaluated: 2025-10-26. Review status: criteria provided, single submitter. Criteria: Invitae Variant Classification Sherloc (09022015). Collection method: clinical testing. Allele origin: germline.

Ambry Genetics
Classification: Likely benign for Cardiovascular phenotype. Last evaluated: 2022-11-27. Review status: criteria provided, single submitter. Criteria: Ambry Variant Classification Scheme 2023. Collection method: clinical testing. Allele origin: germline.

GeneDx
Classification: Likely benign. Last evaluated: 2017-05-12. Review status: criteria provided, single submitter. Criteria: GeneDx Variant Classification (06012015). Collection method: clinical testing. Allele origin: germline. Affected: yes.
Comment: This variant is considered likely benign or benign based on one or more of the following criteria: it is a conservative change, it occurs at a poorly conserved position in the protein, it is predicted to be benign by multiple in silico algorithms, and/or has population frequency not consistent with disease.

NM_001267550.2(TTN):c.2391A>G (p.Leu797=)

Gene: TTN (titin; minus strand). Cytogenetic location: 2q31.2.
Variant type: single nucleotide variant.
Coding change: c.2391A>G on transcript NM_001267550.2 (MANE Select); coding-DNA position 2391, A replaced by G.
Protein change: p.Leu797=; no amino-acid change (leucine 797 retained).
Molecular consequence: synonymous variant.
Genome position (GRCh38, 1-based): chr2:178,785,722, T>C on the plus strand (A>G on the coding strand, the complement: TTN is on the minus strand). VCF-style: chr2-178785722-T-C. GRCh37 (hg19) VCF-style: chr2-179650449-T-C.
Other names: c.2391A>G, p.Leu797= (NM_001256850.1, NM_133378.4, NM_133379.5); c.2253A>G, p.Leu751= (NM_003319.4, NM_133432.3, NM_133437.4).
Identifiers: ClinVar variation 413140 (VCV000413140.11), dbSNP rs147124267, ClinGen allele CA16610625.